The following is an entry in ClinVar:

NM_015102.5(NPHP4):c.1957G>C (p.Val653Leu)

Gene: NPHP4 (nephrocystin 4; minus strand). Cytogenetic location: 1p36.31.
Variant type: single nucleotide variant.
Coding change: c.1957G>C on transcript NM_015102.5 (MANE Select); coding-DNA position 1957, G replaced by C.
Protein change: p.Val653Leu; replaces valine 653 with leucine.
Molecular consequence: missense variant. On other transcripts: non-coding transcript variant (1).
Genome position (GRCh38, 1-based): chr1:5,904,803, C>G on the plus strand (G>C on the coding strand, the complement: NPHP4 is on the minus strand). VCF-style: chr1-5904803-C-G. GRCh37 (hg19) VCF-style: chr1-5964863-C-G.
Other names: c.418G>C, p.Val140Leu (NM_001291593.2); c.421G>C, p.Val141Leu (NM_001291594.2); short protein forms V140L, V141L, V653L.
Identifiers: ClinVar variation 1054345 (VCV001054345.9), dbSNP rs1644835961, ClinGen allele CA338054064.

ClinVar aggregate classification (germline): Uncertain significance (1 of 4 stars; one submission).

Conditions:
Nephronophthisis. Also called: Juvenile Nephronophthisis. Identifiers: Orphanet 655, MedGen C0687120, MONDO:0019005, HP:0000090.

Allele frequency attached by ClinVar (database versions not stated): TOPMed below 0.00001; gnomAD exomes 0.00001.
gnomAD v4.1: 5 of 1,613,920 alleles (0.00031%); highest among the groups gnomAD compares: Non-Finnish European, 0.00034%; no homozygotes.

Submission:

Labcorp Genetics (formerly Invitae), Labcorp
Classification: Uncertain significance for Nephronophthisis. Last evaluated: 2020-06-02. Review status: criteria provided, single submitter. Criteria: Invitae Variant Classification Sherloc (09022015). Collection method: clinical testing. Allele origin: germline.
Comment: This sequence change replaces valine with leucine at codon 653 of the NPHP4 protein (p.Val653Leu). The valine residue is weakly conserved and there is a small physicochemical difference between valine and leucine. This variant is not present in population databases (ExAC no frequency). This variant has not been reported in the literature in individuals with NPHP4-related conditions. Algorithms developed to predict the effect of missense changes on protein structure and function (SIFT, PolyPhen-2, Align-GVGD) all suggest that this variant is likely to be tolerated, but these predictions have not been confirmed by published functional studies and their clinical significance is uncertain. In summary, the available evidence is currently insufficient to determine the role of this variant in disease. Therefore, it has been classified as a Variant of Uncertain Significance.